The following is an entry in ClinVar:

NM_001130987.2(DYSF):c.829G>A (p.Ala277Thr)

Gene: DYSF (dysferlin; plus strand). Cytogenetic location: 2p13.2.
Variant type: single nucleotide variant.
Coding change: c.829G>A on transcript NM_001130987.2 (MANE Select); coding-DNA position 829, G replaced by A.
Protein change: p.Ala277Thr; replaces alanine 277 with threonine.
Molecular consequence: missense variant.
Genome position (GRCh38, 1-based): chr2:71,515,692, G>A. VCF-style: chr2-71515692-G-A. GRCh37 (hg19) VCF-style: chr2-71742822-G-A.
Other names: c.736G>A, p.Ala246Thr (NM_001130455.2, NM_001130983.2, NM_001130984.2 and 1 more transcripts); c.733G>A, p.Ala245Thr (NM_001130976.2, NM_001130977.2, NM_001130978.2 and 1 more transcripts); c.826G>A, p.Ala276Thr (NM_001130979.2, NM_001130980.2, NM_001130981.2); c.829G>A, p.Ala277Thr (NM_001130982.2, NM_001130985.2); c.733G>A (NM_003494.3); short protein forms A245T, A246T, A277T, A276T.
Identifiers: ClinVar variation 1435572 (VCV001435572.4), dbSNP rs770518944, ClinGen allele CA1705472.

ClinVar aggregate classification (germline): Uncertain significance. Review status: criteria provided, multiple submitters, no conflicts (2 of 4 stars). 2 submissions from 2 submitters: Uncertain significance (2). Last evaluated 2024-10-22.

Conditions:
DYSF-related disorder. Also called: DYSF-related disorders; DYSF-related condition.
Neuromuscular disease caused by qualitative or quantitative defects of dysferlin. Also called: Dysferlinopathy; Qualitative or quantitative defects of dysferlin. Identifiers: Orphanet 207073, MedGen C2931687, MONDO:0016145.

Allele frequency attached by ClinVar (database versions not stated): ExAC 0.00001; TOPMed 0.00001.
gnomAD v4.1: 5 of 1,614,092 alleles (0.00031%); highest among the groups gnomAD compares: East Asian, 0.0045%; no homozygotes.

Submissions (2):

PreventionGenetics, part of Exact Sciences
Classification: Uncertain significance for DYSF-related condition. Last evaluated: 2024-10-22. Review status: criteria provided, single submitter. Criteria: ACMG Guidelines, 2015. Collection method: clinical testing. Allele origin: germline.
Comment: The DYSF c.733G>A variant is predicted to result in the amino acid substitution p.Ala245Thr. To our knowledge, this variant has not been reported in the literature. This variant is reported in 0.0023% of alleles in individuals of European (non-Finnish) descent in gnomAD. At this time, the clinical significance of this variant is uncertain due to the absence of conclusive functional and genetic evidence.

Labcorp Genetics (formerly Invitae), Labcorp
Classification: Uncertain significance for Neuromuscular disease caused by qualitative or quantitative defects of dysferlin. Last evaluated: 2022-06-10. Review status: criteria provided, single submitter. Criteria: Invitae Variant Classification Sherloc (09022015). Collection method: clinical testing. Allele origin: germline.
Comment: This sequence change replaces alanine, which is neutral and non-polar, with threonine, which is neutral and polar, at codon 245 of the DYSF protein (p.Ala245Thr). This variant is present in population databases (rs770518944, gnomAD 0.002%). This variant has not been reported in the literature in individuals affected with DYSF-related conditions. Advanced modeling of protein sequence and biophysical properties (such as structural, functional, and spatial information, amino acid conservation, physicochemical variation, residue mobility, and thermodynamic stability) performed at Invitae indicates that this missense variant is not expected to disrupt DYSF protein function. In summary, the available evidence is currently insufficient to determine the role of this variant in disease. Therefore, it has been classified as a Variant of Uncertain Significance.